The following is an entry in ClinVar:

NM_004168.4(SDHA):c.1662G>C (p.Arg554=)

Gene: SDHA (succinate dehydrogenase complex flavoprotein subunit A; plus strand). Cytogenetic location: 5p15.33.
Variant type: single nucleotide variant.
Coding change: c.1662G>C on transcript NM_004168.4 (MANE Select); coding-DNA position 1662, G replaced by C.
Protein change: p.Arg554=; no amino-acid change (arginine 554 retained).
Molecular consequence: synonymous variant. On other transcripts: intron variant (1).
Genome position (GRCh38, 1-based): chr5:251,102, G>C. VCF-style: chr5-251102-G-C. GRCh37 (hg19) VCF-style: chr5-251217-G-C.
Other names: c.1518G>C, p.Arg506= (NM_001294332.2); c.1552-3291G>C (NM_001330758.2).
Identifiers: ClinVar variation 962534 (VCV000962534.10), dbSNP rs1579438241, ClinGen allele CA442657323.
Genomic context (GRCh38, chr5:251,102, plus strand): 5'-AGGTTGTGGGAAAATCAGCAAGCTCTATGGAGACCTAAAGCACCTGAAGACGTTCGACCG[G>C]GGTGAGCAGACAGTGGGCTCTGTGCACACTGTTGGGCCCTTCCTTCTGCAGGGTGGGCTG-3'
Protein context (NP_004159.2, residues 544-564): GDLKHLKTFD[Arg554=]GMVWNTDLVE

ClinVar aggregate classification (germline): Uncertain significance (1 of 4 stars; one submission).

Conditions:
Mitochondrial complex II deficiency, nuclear type 1. Also called: SUCCINATE CoQ REDUCTASE DEFICIENCY. Identifiers: Orphanet 3208, MedGen C5700310, MONDO:0100294, OMIM 252011.
Pheochromocytoma/paraganglioma syndrome 5. Also called: Paragangliomas 5; SDHA-Related Hereditary Paraganglioma-Pheochromocytoma Syndrome. Identifiers: Orphanet 29072, MedGen C3279992, MONDO:0013602, OMIM 614165.

Submission:

Labcorp Genetics (formerly Invitae), Labcorp
Classification: Uncertain significance for Pheochromocytoma/paraganglioma syndrome 5; Mitochondrial complex II deficiency, nuclear type 1. Last evaluated: 2019-11-10. Review status: criteria provided, single submitter. Criteria: Invitae Variant Classification Sherloc (09022015). Collection method: clinical testing. Allele origin: germline.
Comment: In summary, the available evidence is currently insufficient to determine the role of this variant in disease. Therefore, it has been classified as a Variant of Uncertain Significance. Algorithms developed to predict the effect of sequence changes on RNA splicing suggest that this variant is not likely to affect RNA splicing, but this prediction has not been confirmed by published transcriptional studies. This variant has not been reported in the literature in individuals with SDHA-related conditions. This variant is not present in population databases (ExAC no frequency). This sequence change affects codon 554 of the SDHA mRNA. It is a 'silent' change, meaning that it does not change the encoded amino acid sequence of the SDHA protein.